The following is an entry in ClinVar:

NM_006218.4(PIK3CA):c.1733A>G (p.Asp578Gly)

Gene: PIK3CA (phosphatidylinositol-4,5-bisphosphate 3-kinase catalytic subunit alpha; plus strand). Cytogenetic location: 3q26.32.
Variant type: single nucleotide variant.
Coding change: c.1733A>G on transcript NM_006218.4 (MANE Select); coding-DNA position 1733, A replaced by G.
Protein change: p.Asp578Gly; replaces aspartic acid 578 with glycine.
Molecular consequence: missense variant.
Genome position (GRCh38, 1-based): chr3:179,219,264, A>G. VCF-style: chr3-179219264-A-G. GRCh37 (hg19) VCF-style: chr3-178937052-A-G.
Other names: short protein forms D578G.
Identifiers: ClinVar variation 3932380 (VCV003932380.1).

ClinVar aggregate classification (germline): Uncertain significance (1 of 4 stars; one submission).

Conditions:
Inborn genetic diseases. Identifiers: MedGen C0950123, MeSH D030342.

Submission:

Ambry Genetics
Classification: Uncertain significance for Inborn genetic diseases. Last evaluated: 2025-03-15. Review status: criteria provided, single submitter. Criteria: Ambry Variant Classification Scheme 2023. Collection method: clinical testing. Allele origin: germline.
Comment: The p.D578G variant (also known as c.1733A>G), located in coding exon 10 of the PIK3CA gene, results from an A to G substitution at nucleotide position 1733. The aspartic acid at codon 578 is replaced by glycine, an amino acid with similar properties. This amino acid position is conserved. In addition, this alteration is predicted to be deleterious by in silico analysis. Based on the available evidence, the clinical significance of this variant remains unclear.